The following is an entry in ClinVar:

NM_004304.5(ALK):c.1001T>A (p.Leu334Gln)

Gene: ALK (ALK receptor tyrosine kinase; minus strand). Cytogenetic location: 2p23.2.
Variant type: single nucleotide variant.
Coding change: c.1001T>A on transcript NM_004304.5 (MANE Select); coding-DNA position 1001, T replaced by A.
Protein change: p.Leu334Gln; replaces leucine 334 with glutamine.
Molecular consequence: missense variant.
Genome position (GRCh38, 1-based): chr2:29,532,068, A>T on the plus strand (T>A on the coding strand, the complement: ALK is on the minus strand). VCF-style: chr2-29532068-A-T. GRCh37 (hg19) VCF-style: chr2-29754934-A-T.
Other names: c.1001T>A (NM_004304.4); short protein forms L334Q.
Identifiers: ClinVar variation 1470149 (VCV001470149.7), dbSNP rs2148158767, ClinGen allele CA346587491.

ClinVar aggregate classification (germline): Uncertain significance. Review status: criteria provided, multiple submitters, no conflicts (2 of 4 stars). 2 submissions from 2 submitters: Uncertain significance (2). Last evaluated 2024-08-18.

Conditions:
Hereditary cancer-predisposing syndrome. Also called: Neoplastic Syndromes, Hereditary; Hereditary Cancer Syndrome; Tumor predisposition; Hereditary neoplastic syndrome. Identifiers: Orphanet 140162, MedGen C0027672, MeSH D009386, MONDO:0015356.
Neuroblastoma, susceptibility to, 3. Also called: ALK-Related Neuroblastic Tumor Susceptibility. Identifiers: Orphanet 635, MedGen C2751681, MONDO:0013083, OMIM 613014.

Submissions (2):

Ambry Genetics
Classification: Uncertain significance for Hereditary cancer-predisposing syndrome. Last evaluated: 2024-08-18. Review status: criteria provided, single submitter. Criteria: Ambry Variant Classification Scheme 2023. Collection method: clinical testing. Allele origin: germline.
Comment: The p.L334Q variant (also known as c.1001T>A), located in coding exon 4 of the ALK gene, results from a T to A substitution at nucleotide position 1001. The leucine at codon 334 is replaced by glutamine, an amino acid with dissimilar properties. This amino acid position is conserved. In addition, the in silico prediction for this alteration is inconclusive. Based on the available evidence, the clinical significance of this variant remains unclear.

Labcorp Genetics (formerly Invitae), Labcorp
Classification: Uncertain significance for Neuroblastoma, susceptibility to, 3. Last evaluated: 2023-06-21. Review status: criteria provided, single submitter. Criteria: Invitae Variant Classification Sherloc (09022015). Collection method: clinical testing. Allele origin: germline.
Comment: An algorithm developed to predict the effect of missense changes on protein structure and function (PolyPhen-2) suggests that this variant is likely to be disruptive. ClinVar contains an entry for this variant (Variation ID: 1470149). This variant has not been reported in the literature in individuals affected with ALK-related conditions. This variant is not present in population databases (gnomAD no frequency). This sequence change replaces leucine, which is neutral and non-polar, with glutamine, which is neutral and polar, at codon 334 of the ALK protein (p.Leu334Gln). In summary, the available evidence is currently insufficient to determine the role of this variant in disease. Therefore, it has been classified as a Variant of Uncertain Significance.